The following is an entry in ClinVar:

NM_020066.5(FMN2):c.3372A>T (p.Leu1124=)

Gene: FMN2 (formin 2; plus strand). Cytogenetic location: 1q43.
Variant type: single nucleotide variant.
Coding change: c.3372A>T on transcript NM_020066.5 (MANE Select); coding-DNA position 3372, A replaced by T.
Protein change: p.Leu1124=; no amino-acid change (leucine 1124 retained).
Molecular consequence: synonymous variant. On other transcripts: intron variant (1).
Genome position (GRCh38, 1-based): chr1:240,208,184, A>T. VCF-style: chr1-240208184-A-T. GRCh37 (hg19) VCF-style: chr1-240371484-A-T.
Other names: c.3372A>T (NM_020066.4); c.3384A>T, p.Leu1128= (NM_001305424.2); c.1986+19922A>T (NM_001348094.2).
Identifiers: ClinVar variation 2640187 (VCV002640187.26), dbSNP rs202006855, ClinGen allele CA1477133.

ClinVar aggregate classification (germline): Likely benign. Review status: criteria provided, multiple submitters, no conflicts (2 of 4 stars). 3 submissions from 3 submitters: Likely benign (2). 1 of the submissions does not count toward it. Last evaluated 2024-11-26.

Conditions:
FMN2-related disorder. Also called: FMN2-related condition.

Submissions (3):

Blueprint Genetics
Classification: Likely benign. Last evaluated: 2024-11-26. Review status: criteria provided, single submitter. Criteria: ACMG Guidelines, 2015. Collection method: clinical testing. Allele origin: germline.

CeGaT Center for Human Genetics Tuebingen
Classification: Likely benign. Last evaluated: 2023-08-01. Review status: criteria provided, single submitter. Criteria: CeGaT Center For Human Genetics Tuebingen Variant Classification Criteria Version 2. Collection method: clinical testing. Allele origin: germline. Affected: yes. Observed: 1 variant allele.
Comment: FMN2: BP4, BP7

PreventionGenetics, part of Exact Sciences
Classification: Likely benign for FMN2-related condition. Last evaluated: 2019-04-01. Review status: no assertion criteria provided. Collection method: clinical testing. Allele origin: germline. Not counted in ClinVar's aggregate classification.
Comment: This variant is classified as likely benign based on ACMG/AMP sequence variant interpretation guidelines (Richards et al. 2015 PMID: 25741868, with internal and published modifications).